The following is an entry in ClinVar:

NM_018133.4(MSL2):c.992C>G (p.Ala331Gly)

Gene: MSL2 (MSL complex subunit 2; minus strand). Cytogenetic location: 3q22.3.
Variant type: single nucleotide variant.
Coding change: c.992C>G on transcript NM_018133.4 (MANE Select); coding-DNA position 992, C replaced by G.
Protein change: p.Ala331Gly; replaces alanine 331 with glycine.
Molecular consequence: missense variant.
Genome position (GRCh38, 1-based): chr3:136,151,889, G>C on the plus strand (C>G on the coding strand, the complement: MSL2 is on the minus strand). VCF-style: chr3-136151889-G-C. GRCh37 (hg19) VCF-style: chr3-135870731-G-C.
Other names: c.770C>G, p.Ala257Gly (NM_001145417.2); short protein forms A331G, A257G.
Identifiers: ClinVar variation 2203805 (VCV002203805.6), dbSNP rs139959327, ClinGen allele CA2631342.

ClinVar aggregate classification (germline): Conflicting classifications of pathogenicity. Review status: criteria provided, conflicting classifications (1 of 4 stars). 2 submissions from 2 submitters: Uncertain significance (1); Likely benign (1). Last evaluated 2026-03-01.

Allele frequency attached by ClinVar (database versions not stated): 1000 Genomes Project 30x 0.00016; 1000 Genomes Project 0.00020; gnomAD 0.00042; TOPMed 0.00053; ExAC 0.00067; gnomAD exomes 0.00073; ESP Exome Variant Server 0.00092.
gnomAD v4.1: 1,139 of 1,614,174 alleles (0.071%); highest among the groups gnomAD compares: Middle Eastern, 0.12%; 2 homozygotes.

Submissions (2):

CeGaT Center for Human Genetics Tuebingen
Classification: Likely benign. Last evaluated: 2026-03-01. Review status: criteria provided, single submitter. Criteria: CeGaT Center For Human Genetics Tuebingen Variant Classification Criteria Version 2. Collection method: clinical testing. Allele origin: germline. Affected: yes. Observed: 2 variant alleles.
Comment: MSL2: BS2

Ambry Genetics
Classification: Uncertain significance. Last evaluated: 2022-05-18. Review status: criteria provided, single submitter. Criteria: Ambry Variant Classification Scheme 2023. Collection method: clinical testing. Allele origin: germline.